The following is an entry in ClinVar:

ClinVar aggregate classification (germline): Uncertain significance. Review status: reviewed by expert panel (3 of 4 stars). 2 submissions from 2 submitters: Uncertain significance (1). 1 of the submissions does not count toward it. Last evaluated 2026-03-17.

Conditions:
Glanzmann thrombasthenia. Also called: Glanzmann's thrombasthenia; THROMBASTHENIA OF GLANZMANN AND NAEGELI; PLATELET GLYCOPROTEIN IIb-IIIa DEFICIENCY; Thrombasthenia. Identifiers: Orphanet 849, MedGen C0040015, MONDO:0100326.

gnomAD v4.1: 2 of 1,614,220 alleles (0.00012%); highest among the groups gnomAD compares: Non-Finnish European, 0.00017%; no homozygotes.

Submissions (2):

ClinGen Platelet Disorders Variant Curation Expert Panel, ClinGen
Classification: Uncertain significance for Glanzmann thrombasthenia. Last evaluated: 2026-03-17. Review status: reviewed by expert panel. Criteria: ClinGen Platelet ACMG Specifications v2-1. Collection method: curation. Allele origin: germline. Inheritance: Autosomal recessive inheritance.
Comment: The NM_000419.5(ITGA2B):c.1392A>G (p.Pro464=) has been reported in a patient (Patient 10, PMID: 31029159) with a clinical diagnosis of GT but insufficient information for a highly specific diagnosis. This variant is reported in gnomAD v4.1 in the non-Finnish European population with a MAF of 0.000001695 (2/1180034 alleles). This MAF is less than the 0.0001 MAF established by the PD VCEP to assign this code (PM2_Supporting). This variant was homozygous in the reported individual (Patient 10, PMID: 31029159) with a clinical diagnosis of GT. Since this was a homozygous occurrence and this variant was not seen in the literature elsewhere; per SVI recommendations this receives 0.5pt since this variant has a MAF of <0.0001 (PM3_Supporting). In summary, this variant meets the criteria to be classified as uncertain significance for autosomal recessive Glanzmann Thrombasthenia based on the ACMG/AMP criteria applied, as specified by the ClinGen PD VCEP: PM2_supporting, PM3_Supporting (VCEP specifications version 2.1).

Blueprint Genetics
Classification: Uncertain significance. Last evaluated: 2020-01-13. Review status: criteria provided, single submitter. Criteria: ACMG Guidelines, 2015. Collection method: clinical testing. Allele origin: germline. Not counted in ClinVar's aggregate classification.

NM_000419.5(ITGA2B):c.1392A>G (p.Pro464=)

Gene: ITGA2B (integrin subunit alpha 2b; minus strand). Cytogenetic location: 17q21.31.
Variant type: single nucleotide variant.
Coding change: c.1392A>G on transcript NM_000419.5 (MANE Select); coding-DNA position 1392, A replaced by G.
Protein change: p.Pro464=; no amino-acid change (proline 464 retained).
Molecular consequence: synonymous variant.
Genome position (GRCh38, 1-based): chr17:44,380,880, T>C on the plus strand (A>G on the coding strand, the complement: ITGA2B is on the minus strand). VCF-style: chr17-44380880-T-C. GRCh37 (hg19) VCF-style: chr17-42458248-T-C.
Other names: NM_000419.5:c.1392A>G.
Identifiers: ClinVar variation 2674649 (VCV002674649.3), dbSNP rs1349170783, ClinGen allele CA500273575.